The following is an entry in ClinVar:

NM_152222.2(RELT):c.1087A>G (p.Met363Val)

Gene: RELT (RELT TNF receptor; plus strand). Cytogenetic location: 11q13.4.
Variant type: single nucleotide variant.
Coding change: c.1087A>G on transcript NM_152222.2 (MANE Select); coding-DNA position 1087, A replaced by G.
Protein change: p.Met363Val; replaces methionine 363 with valine.
Molecular consequence: missense variant.
Genome position (GRCh38, 1-based): chr11:73,395,127, A>G. VCF-style: chr11-73395127-A-G. GRCh37 (hg19) VCF-style: chr11-73106172-A-G.
Other names: c.1087A>G, p.Met363Val (NM_032871.4, NM_001425250.1); c.1111A>G, p.Met371Val (NM_001425248.1); c.1084A>G, p.Met362Val (NM_001425249.1); c.1039A>G, p.Met347Val (NM_001425251.1); c.829A>G, p.Met277Val (NM_001425252.1, NM_001425253.1); short protein forms M277V, M347V, M362V, M363V, M371V.
Identifiers: ClinVar variation 3041407 (VCV003041407.2), dbSNP rs151088654, ClinGen allele CA6178878.

ClinVar aggregate classification (germline): Benign (0 of 4 stars; one submission).

Conditions:
RELT-related disorder. Also called: RELT-related condition.

Allele frequency attached by ClinVar (database versions not stated): ExAC 0.00262; 1000 Genomes Project 30x 0.00703; 1000 Genomes Project 0.00719; ESP Exome Variant Server 0.00762.
gnomAD v4.1: 2,945 of 1,613,666 alleles (0.18%); highest among the groups gnomAD compares: African/African-American, 2.2%; 29 homozygotes.

Submission:

PreventionGenetics, part of Exact Sciences
Classification: Benign for RELT-related condition. Last evaluated: 2020-01-17. Review status: no assertion criteria provided. Collection method: clinical testing. Allele origin: germline.
Comment: This variant is classified as benign based on ACMG/AMP sequence variant interpretation guidelines (Richards et al. 2015 PMID: 25741868, with internal and published modifications).